The following is an entry in ClinVar:

ClinVar aggregate classification (germline): Conflicting classifications of pathogenicity. Review status: criteria provided, conflicting classifications (1 of 4 stars). 2 submissions from 2 submitters: Uncertain significance (1); Likely benign (1). Last evaluated 2025-10-17.

Allele frequency attached by ClinVar (database versions not stated): gnomAD 0.00004 and 0.00005; ExAC 0.00005; gnomAD exomes 0.00005 and 0.00006; TOPMed 0.00009; 1000 Genomes Project 30x 0.00016; ESP Exome Variant Server 0.00016; 1000 Genomes Project 0.00020.
gnomAD v4.1: 93 of 1,607,046 alleles (0.0058%); highest among the groups gnomAD compares: African/African-American, 0.015%; no homozygotes.

Submissions (2):

Labcorp Genetics (formerly Invitae), Labcorp
Classification: Uncertain significance. Last evaluated: 2025-10-17. Review status: criteria provided, single submitter. Criteria: Invitae Variant Classification Sherloc (09022015). Collection method: clinical testing. Allele origin: germline.
Comment: This sequence change replaces aspartic acid, which is acidic and polar, with asparagine, which is neutral and polar, at codon 920 of the PLEKHM2 protein (p.Asp920Asn). This variant is present in population databases (rs200570089, gnomAD 0.009%). This variant has not been reported in the literature in individuals affected with PLEKHM2-related conditions. ClinVar contains an entry for this variant (Variation ID: 478093). An algorithm developed to predict the effect of missense changes on protein structure and function (PolyPhen-2) suggests that this variant is likely to be tolerated. In summary, the available evidence is currently insufficient to determine the role of this variant in disease. Therefore, it has been classified as a Variant of Uncertain Significance.

Blueprint Genetics
Classification: Likely benign. Last evaluated: 2024-11-11. Review status: criteria provided, single submitter. Criteria: ACMG Guidelines, 2015. Collection method: clinical testing. Allele origin: germline.

NM_015164.4(PLEKHM2):c.2758G>A (p.Asp920Asn)

Gene: PLEKHM2 (pleckstrin homology and RUN domain containing M2; plus strand). Cytogenetic location: 1p36.21.
Variant type: single nucleotide variant.
Coding change: c.2758G>A on transcript NM_015164.4 (MANE Select); coding-DNA position 2758, G replaced by A.
Protein change: p.Asp920Asn; replaces aspartic acid 920 with asparagine.
Molecular consequence: missense variant.
Genome position (GRCh38, 1-based): chr1:15,732,482, G>A. VCF-style: chr1-15732482-G-A. GRCh37 (hg19) VCF-style: chr1-16058977-G-A.
Other names: short protein forms D920N.
Identifiers: ClinVar variation 478093 (VCV000478093.12), dbSNP rs200570089, ClinGen allele CA617338.